The following is an entry in ClinVar:

ClinVar aggregate classification (germline): Uncertain significance. Review status: criteria provided, multiple submitters, no conflicts (2 of 4 stars). 3 submissions from 3 submitters: Uncertain significance (2). 1 of the submissions does not count toward it. Last evaluated 2025-10-21.

Conditions:
Otitis media. Identifiers: MedGen C0029882, MONDO:0005441, HP:0000388.
Otitis media, susceptibility to (OMS). Also called: OTITIS MEDIA, CHRONIC/RECURRENT; COME/ROM. Identifiers: MedGen C1833692, MONDO:0008162, OMIM 166760.

Allele frequency attached by ClinVar (database versions not stated): gnomAD exomes 0.00002; gnomAD 0.00009; TOPMed 0.00012; ESP Exome Variant Server 0.00017.
gnomAD v4.1: 44 of 1,613,050 alleles (0.0027%); highest among the groups gnomAD compares: African/African-American, 0.017%; no homozygotes.

Submissions (3):

Labcorp Genetics (formerly Invitae), Labcorp
Classification: Uncertain significance. Last evaluated: 2025-10-21. Review status: criteria provided, single submitter. Criteria: Invitae Variant Classification Sherloc (09022015). Collection method: clinical testing. Allele origin: germline.
Comment: This sequence change replaces arginine, which is basic and polar, with histidine, which is basic and polar, at codon 730 of the A2ML1 protein (p.Arg730His). This variant is present in population databases (rs200346409, gnomAD 0.02%). This variant has not been reported in the literature in individuals affected with A2ML1-related conditions. ClinVar contains an entry for this variant (Variation ID: 626341). An algorithm developed to predict the effect of missense changes on protein structure and function (PolyPhen-2) suggests that this variant is likely to be tolerated. In summary, the available evidence is currently insufficient to determine the role of this variant in disease. Therefore, it has been classified as a Variant of Uncertain Significance.

Santos-Cortez Lab, University of Colorado School of Medicine
Classification: Uncertain significance for Otitis media, susceptibility to. Last evaluated: 2019-04-25. Review status: criteria provided, single submitter. Criteria: Larson et al. (Hum Mutat. 2019). Collection method: research. Allele origin: germline. Inheritance: Autosomal dominant inheritance. Affected: yes.

University of Washington Center for Mendelian Genomics, University of Washington
Classification: Uncertain significance for Otitis media. Review status: no assertion criteria provided. Collection method: research. Allele origin: inherited. Affected: yes. Not counted in ClinVar's aggregate classification.

Literature cited by the submitters: PubMed 31009165 (cited by University of Washington Center for Mendelian Genomics, University of Washington).

NM_144670.6(A2ML1):c.2189G>A (p.Arg730His)

Gene: A2ML1 (alpha-2-macroglobulin like 1; plus strand). Cytogenetic location: 12p13.31.
Variant type: single nucleotide variant.
Coding change: c.2189G>A on transcript NM_144670.6 (MANE Select); coding-DNA position 2189, G replaced by A.
Protein change: p.Arg730His; replaces arginine 730 with histidine.
Molecular consequence: missense variant.
Genome position (GRCh38, 1-based): chr12:8,850,229, G>A. VCF-style: chr12-8850229-G-A. GRCh37 (hg19) VCF-style: chr12-9002825-G-A.
Other names: c.716G>A, p.Arg239His (NM_001282424.3); short protein forms R730H, R239H.
Identifiers: ClinVar variation 626341 (VCV000626341.9), dbSNP rs200346409, ClinGen allele CA6435934.